The following is an entry in ClinVar:

ClinVar aggregate classification (germline): Conflicting classifications of pathogenicity. Review status: criteria provided, conflicting classifications (1 of 4 stars). 2 submissions from 2 submitters: Uncertain significance (1); Likely benign (1). Last evaluated 2025-02-01.

Allele frequency attached by ClinVar (database versions not stated): TOPMed below 0.00001; gnomAD exomes 0.00002.
gnomAD v4.1: 19 of 1,211,214 alleles (0.0016%); highest among the groups gnomAD compares: Non-Finnish European, 0.002%; no homozygotes.

Submissions (2):

CeGaT Center for Human Genetics Tuebingen
Classification: Likely benign. Last evaluated: 2025-02-01. Review status: criteria provided, single submitter. Criteria: CeGaT Center For Human Genetics Tuebingen Variant Classification Criteria Version 2. Collection method: clinical testing. Allele origin: germline. Affected: yes. Observed: 1 variant allele.
Comment: NEXMIF: BP4, BS2

Ambry Genetics
Classification: Uncertain significance. Last evaluated: 2016-08-04. Review status: criteria provided, single submitter. Criteria: Ambry Variant Classification Scheme 2023. Collection method: clinical testing. Allele origin: germline.
Comment: The p.S771P variant (also known as c.2311T>C), located in coding exon 2 of the KIAA2022 gene, results from a T to C substitution at nucleotide position 2311. The serine at codon 771 is replaced by proline, an amino acid with similar properties. This variant was not reported in population based cohorts in the following databases: Database of Single Nucleotide Polymorphisms (dbSNP), NHLBI Exome Sequencing Project (ESP), and 1000 Genomes Project. In the ESP, this variant was not observed in 6503 samples with coverage at this position. This amino acid position is not well conserved in available vertebrate species. In addition, this alteration is predicted to be tolerated by in silico analysis. Since supporting evidence is limited at this time, the clinical significance of this variant remains unclear.

NM_001008537.3(NEXMIF):c.2311T>C (p.Ser771Pro)

Gene: NEXMIF (neurite extension and migration factor; minus strand). Cytogenetic location: Xq13.3.
Variant type: single nucleotide variant.
Coding change: c.2311T>C on transcript NM_001008537.3 (MANE Select); coding-DNA position 2311, T replaced by C.
Protein change: p.Ser771Pro; replaces serine 771 with proline.
Molecular consequence: missense variant.
Genome position (GRCh38, 1-based): chrX:74,742,246, A>G on the plus strand (T>C on the coding strand, the complement: NEXMIF is on the minus strand). VCF-style: chrX-74742246-A-G. GRCh37 (hg19) VCF-style: chrX-73962081-A-G.
Other names: short protein forms S771P.
Identifiers: ClinVar variation 589873 (VCV000589873.18), dbSNP rs1569335460, ClinGen allele CA413668497.